The following is an entry in ClinVar:

ClinVar aggregate classification (germline): Uncertain significance (1 of 4 stars; one submission).

Conditions:
Hereditary cancer-predisposing syndrome. Also called: Hereditary Cancer Syndrome; Hereditary neoplastic syndrome; Neoplastic Syndromes, Hereditary; Tumor predisposition. Identifiers: Orphanet 140162, MedGen C0027672, MeSH D009386, MONDO:0015356.

Submission:

Ambry Genetics
Classification: Uncertain significance for Hereditary cancer-predisposing syndrome. Last evaluated: 2021-01-20. Review status: criteria provided, single submitter. Criteria: Ambry Variant Classification Scheme 2023. Collection method: clinical testing. Allele origin: germline.
Comment: The p.A440V variant (also known as c.1319C>T), located in coding exon 4 of the MSH6 gene, results from a C to T substitution at nucleotide position 1319. The alanine at codon 440 is replaced by valine, an amino acid with similar properties. This amino acid position is highly conserved in available vertebrate species. In addition, this alteration is predicted to be deleterious by in silico analysis. Since supporting evidence is limited at this time, the clinical significance of this alteration remains unclear.

NM_000179.3(MSH6):c.1319C>T (p.Ala440Val)

Gene: MSH6 (mutS homolog 6; plus strand). Cytogenetic location: 2p16.3.
Variant type: single nucleotide variant.
Coding change: c.1319C>T on transcript NM_000179.3 (MANE Select); coding-DNA position 1319, C replaced by T.
Protein change: p.Ala440Val; replaces alanine 440 with valine.
Molecular consequence: missense variant.
Genome position (GRCh38, 1-based): chr2:47,799,302, C>T. VCF-style: chr2-47799302-C-T. GRCh37 (hg19) VCF-style: chr2-48026441-C-T.
Other names: c.794C>T, p.Ala265Val (NM_001406807.1, NM_001406799.1, NM_001406806.1); c.1319C>T, p.Ala440Val (NM_001406808.1, NM_001406809.1, NM_001406817.1 and 4 more transcripts); c.413C>T, p.Ala138Val (NM_001406811.1, NM_001406812.1, NM_001406814.1 and 6 more transcripts); c.1325C>T, p.Ala442Val (NM_001406813.1); c.1022C>T, p.Ala341Val (NM_001406818.1, NM_001406819.1, NM_001406820.1 and 10 more transcripts); c.1151C>T, p.Ala384Val (NM_001406826.1); c.929C>T, p.Ala310Val (NM_001281492.2); c.1415C>T, p.Ala472Val (NM_001406795.1, NM_001406802.1); and 1 more; short protein forms A414V, A440V, A138V, A310V, A384V, A265V, A472V, A341V.
Identifiers: ClinVar variation 1769847 (VCV001769847.2), dbSNP rs2104335961, ClinGen allele CA346744432.